The following is an entry in ClinVar:

ClinVar aggregate classification (germline): Likely pathogenic (1 of 4 stars; one submission).

Conditions:
Congenital hyperammonemia, type I. Also called: Carbamoyl-phosphate synthase I deficiency; CPS I DEFICIENCY; Carbamoyl phosphate synthetase 1 deficiency; Hyperammonemia due to carbamoyl phosphate synthetase 1 deficiency; CPS 1 deficiency; Carbamyl phosphate synthetase (CPS) deficiency. Identifiers: Orphanet 147, MedGen C4082171, MONDO:0009376, OMIM 237300.

Submission:

Intergen Genetics and Rare Diseases Diagnosis Center
Classification: Likely pathogenic for Congenital hyperammonemia, type I. Last evaluated: 2025-12-01. Review status: criteria provided, single submitter. Criteria: ACMG Guidelines, 2015. Collection method: clinical testing. Allele origin: germline. Inheritance: Autosomal recessive inheritance. Affected: yes. Observed: 1 homozygote.
Comment: The variant was observed in a homozygous state. According to ACMG/AMP guidelines, the variant meets criteria PVS1 and PM2 , supporting a classification of Likely Pathogenic. Clinical correlation and biochemical findings are consistent with a urea cycle disorder related to CPS1 deficiency.

NM_001875.5(CPS1):c.3559-2A>T

Gene: CPS1 (carbamoyl-phosphate synthase 1; plus strand). Cytogenetic location: 2q34.
Variant type: single nucleotide variant.
Coding change: c.3559-2A>T on transcript NM_001875.5 (MANE Select); the canonical splice acceptor site of the intron before coding-DNA position 3559, A replaced by T.
Molecular consequence: splice acceptor variant.
Genome position (GRCh38, 1-based): chr2:210,656,523, A>T. VCF-style: chr2-210656523-A-T. GRCh37 (hg19) VCF-style: chr2-211521247-A-T.
Other names: c.3559-2A>T (NM_001369257.1, NM_001122633.3); c.3592-2A>T (NM_001369256.1).
Identifiers: ClinVar variation 4533206 (VCV004533206.1).